The following is an entry in ClinVar:

ClinVar aggregate classification (germline): Uncertain significance (1 of 4 stars; one submission).

Conditions:
Basal laminar drusen. Also called: DRUSEN OF BRUCH MEMBRANE; DRUSEN, CUTICULAR; DRUSEN, EARLY ADULT-ONSET, GROUPED. Identifiers: Orphanet 75376, MedGen C0730295, MONDO:0007472, OMIM 126700.
Age related macular degeneration 4. Identifiers: MedGen C1853147, MONDO:0012540, OMIM 610698.
Hemolytic uremic syndrome, atypical, susceptibility to, 1. Also called: AHUS, SUSCEPTIBILITY TO, 1. Identifiers: Orphanet 2134, Orphanet 90038, MedGen C2749604, MONDO:0009335, OMIM 235400. Disease mechanism: Other.
Factor H deficiency (CFHD). Also called: COMPLEMENT FACTOR H DEFICIENCY; CFH DEFICIENCY. Identifiers: Orphanet 200421, MedGen C0398777, MONDO:0012350, OMIM 609814.

Submission:

Center for Genomics, Ann and Robert H. Lurie Children's Hospital of Chicago
Classification: Uncertain significance for Age related macular degeneration 4; Basal laminar drusen; Factor H deficiency; Hemolytic uremic syndrome, atypical, susceptibility to, 1. Review status: criteria provided, single submitter. Criteria: ACMG Guidelines, 2015. Collection method: clinical testing. Allele origin: germline.
Comment: CFH NM_000186.3 exon 20 p.Cys1102Trp (c.3306C>G): This variant has not been reported in the literature and is not present in large control databases. Evolutionary conservation suggests that this variant may impact the protein; computational predictive tools are unclear. In summary, data on this variant is insufficient for disease classification. Therefore, the clinical significance of this variant is uncertain.

NM_000186.4(CFH):c.3306C>G (p.Cys1102Trp)

Gene: CFH (complement factor H; plus strand). Cytogenetic location: 1q31.3.
Variant type: single nucleotide variant.
Coding change: c.3306C>G on transcript NM_000186.4 (MANE Select); coding-DNA position 3306, C replaced by G.
Protein change: p.Cys1102Trp; replaces cysteine 1102 with tryptophan.
Molecular consequence: missense variant.
Genome position (GRCh38, 1-based): chr1:196,743,624, C>G. VCF-style: chr1-196743624-C-G. GRCh37 (hg19) VCF-style: chr1-196712754-C-G.
Other names: short protein forms C1102W.
Identifiers: ClinVar variation 2500015 (VCV002500015.2), dbSNP rs2529549880, ClinGen allele CA343984122.